The following is an entry in ClinVar:

ClinVar aggregate classification (germline): Pathogenic (1 of 4 stars; one submission).

Submission:

Labcorp Genetics (formerly Invitae), Labcorp
Classification: Pathogenic. Last evaluated: 2024-04-27. Review status: criteria provided, single submitter. Criteria: Invitae Variant Classification Sherloc (09022015). Collection method: clinical testing. Allele origin: germline.
Comment: This sequence change creates a premature translational stop signal (p.Ser150Profs*24) in the YWHAG gene. While this is not anticipated to result in nonsense mediated decay, it is expected to disrupt the last 98 amino acid(s) of the YWHAG protein. This variant is not present in population databases (gnomAD no frequency). This variant has not been reported in the literature in individuals affected with YWHAG-related conditions. This variant disrupts a region of the YWHAG protein in which other variant(s) (p.Tyr216*) have been determined to be pathogenic (Invitae). This suggests that this is a clinically significant region of the protein, and that variants that disrupt it are likely to be disease-causing. For these reasons, this variant has been classified as Pathogenic.

NM_012479.4(YWHAG):c.448del (p.Ser150fs)

Gene: YWHAG (tyrosine 3-monooxygenase/tryptophan 5-monooxygenase activation protein gamma; minus strand). Cytogenetic location: 7q11.23.
Variant type: Deletion.
Coding change: c.448del on transcript NM_012479.4 (MANE Select); coding-DNA position 448, one base deleted (T; older notation c.448delT).
Protein change: p.Ser150fs; shifts the reading frame from serine 150.
Molecular consequence: frameshift variant.
Genome position (GRCh38, 1-based): chr7:76,329,873, A deleted on the plus strand (T on the coding strand, the reverse complement: YWHAG is on the minus strand). VCF-style (leftmost placement, unchanged base first): chr7-76329872-GA-G. GRCh37 (hg19) VCF-style: chr7-75959189-GA-G.
Other names: short protein forms S150fs.
Identifiers: ClinVar variation 3651330 (VCV003651330.2).
Genomic context (GRCh38, chr7:76,329,872, plus strand): 5'-GGGTGGGTGGGCTGCATGTGCTCTTTGCTGATCTCGTGGGCTTCGCTGTAGGCCTTCTCG[GA>G]GGACTCCACCACCGTCGCCCTTTTCTCTCCGGTGGCCACTTCAGCCAGGTAGCGGTAGTA-3'